The following is an entry in ClinVar:

ClinVar aggregate classification (germline): Uncertain significance. Review status: criteria provided, multiple submitters, no conflicts (2 of 4 stars). 2 submissions from 2 submitters: Uncertain significance (2). Last evaluated 2025-04-13.

Conditions:
Adams-Oliver syndrome 5 (AOS5). Identifiers: Orphanet 974, MedGen C4014970, MONDO:0014459, OMIM 616028.

Allele frequency attached by ClinVar (database versions not stated): gnomAD exomes 0.00001; TOPMed 0.00001; gnomAD 0.00002.
gnomAD v4.1: 10 of 1,418,084 alleles (0.00071%); highest among the groups gnomAD compares: Non-Finnish European, 0.00095%; no homozygotes.

Submissions (2):

Labcorp Genetics (formerly Invitae), Labcorp
Classification: Uncertain significance for Adams-Oliver syndrome 5. Last evaluated: 2025-04-13. Review status: criteria provided, single submitter. Criteria: Invitae Variant Classification Sherloc (09022015). Collection method: clinical testing. Allele origin: germline.
Comment: This sequence change replaces leucine, which is neutral and non-polar, with proline, which is neutral and non-polar, at codon 818 of the NOTCH1 protein (p.Leu818Pro). This variant is not present in population databases (gnomAD no frequency). This variant has not been reported in the literature in individuals affected with NOTCH1-related conditions. ClinVar contains an entry for this variant (Variation ID: 2673207). Invitae Evidence Modeling of protein sequence and biophysical properties (such as structural, functional, and spatial information, amino acid conservation, physicochemical variation, residue mobility, and thermodynamic stability) indicates that this missense variant is not expected to disrupt NOTCH1 protein function with a negative predictive value of 95%. In summary, the available evidence is currently insufficient to determine the role of this variant in disease. Therefore, it has been classified as a Variant of Uncertain Significance.

CeGaT Center for Human Genetics Tuebingen
Classification: Uncertain significance. Last evaluated: 2023-11-01. Review status: criteria provided, single submitter. Criteria: CeGaT Center For Human Genetics Tuebingen Variant Classification Criteria Version 2. Collection method: clinical testing. Allele origin: germline. Affected: yes. Observed: 1 variant allele.

NM_017617.5(NOTCH1):c.2453T>C (p.Leu818Pro)

Gene: NOTCH1 (notch receptor 1; minus strand). Cytogenetic location: 9q34.3.
Variant type: single nucleotide variant.
Coding change: c.2453T>C on transcript NM_017617.5 (MANE Select); coding-DNA position 2453, T replaced by C.
Protein change: p.Leu818Pro; replaces leucine 818 with proline.
Molecular consequence: missense variant.
Genome position (GRCh38, 1-based): chr9:136,513,035, A>G on the plus strand (T>C on the coding strand, the complement: NOTCH1 is on the minus strand). VCF-style: chr9-136513035-A-G. GRCh37 (hg19) VCF-style: chr9-139407487-A-G.
Other names: short protein forms L818P.
Identifiers: ClinVar variation 2673207 (VCV002673207.25), dbSNP rs1298965823, ClinGen allele CA375556393.
Genomic context (GRCh38, chr9:136,513,035, plus strand): 5'-CACATAGGCCCCGCCCCCTCCAGCACAGGCCCCACCCACCCCTCACCTGTGTAGGGCAGC[A>G]GGCAGTTGCACTTGTACCCGGCAACGTCGTCAATACACGTGCCCTGGTTCAGACATGGGT-3'
Protein context (NP_060087.3, residues 808-828): DDVAGYKCNC[Leu818Pro]LPYTGATCEV